The following is an entry in ClinVar:

ClinVar aggregate classification (germline): Uncertain significance. Review status: criteria provided, multiple submitters, no conflicts (2 of 4 stars). 2 submissions from 2 submitters: Uncertain significance (2). Last evaluated 2025-09-22.

Conditions:
Inborn genetic diseases. Identifiers: MedGen C0950123, MeSH D030342.

Allele frequency attached by ClinVar (database versions not stated): gnomAD 0.00001; gnomAD exomes 0.00003; TOPMed 0.00003; ExAC 0.00060.
gnomAD v4.1: 30 of 1,230,500 alleles (0.0024%); highest among the groups gnomAD compares: South Asian, 0.0029%; no homozygotes.

Submissions (2):

Ambry Genetics
Classification: Uncertain significance for Inborn genetic diseases. Last evaluated: 2025-09-22. Review status: criteria provided, single submitter. Criteria: Ambry Variant Classification Scheme 2023. Collection method: clinical testing. Allele origin: germline.

Labcorp Genetics (formerly Invitae), Labcorp
Classification: Uncertain significance. Last evaluated: 2023-07-20. Review status: criteria provided, single submitter. Criteria: Invitae Variant Classification Sherloc (09022015). Collection method: clinical testing. Allele origin: germline.
Comment: This sequence change replaces glycine, which is neutral and non-polar, with serine, which is neutral and polar, at codon 2113 of the APC2 protein (p.Gly2113Ser). This variant is not present in population databases (gnomAD no frequency). This variant has not been reported in the literature in individuals affected with APC2-related conditions. ClinVar contains an entry for this variant (Variation ID: 1400143). Algorithms developed to predict the effect of missense changes on protein structure and function output the following: SIFT: "Not Available"; PolyPhen-2: "Benign"; Align-GVGD: "Not Available". The serine amino acid residue is found in multiple mammalian species, which suggests that this missense change does not adversely affect protein function. In summary, the available evidence is currently insufficient to determine the role of this variant in disease. Therefore, it has been classified as a Variant of Uncertain Significance.

NM_005883.3(APC2):c.6337G>A (p.Gly2113Ser)

Gene: APC2 (APC regulator of Wnt signaling pathway 2; plus strand). Cytogenetic location: 19p13.3.
Variant type: single nucleotide variant.
Coding change: c.6337G>A on transcript NM_005883.3 (MANE Select); coding-DNA position 6337, G replaced by A.
Protein change: p.Gly2113Ser; replaces glycine 2113 with serine.
Molecular consequence: missense variant.
Genome position (GRCh38, 1-based): chr19:1,469,638, G>A. VCF-style: chr19-1469638-G-A. GRCh37 (hg19) VCF-style: chr19-1469637-G-A.
Other names: c.6334G>A, p.Gly2112Ser (NM_001351273.1); c.6337G>A (NM_005883.2); short protein forms G2112S, G2113S.
Identifiers: ClinVar variation 1400143 (VCV001400143.7), dbSNP rs777432445, ClinGen allele CA9046146.